The following is an entry in ClinVar:

NM_002076.4(GNS):c.1120T>A (p.Leu374Met)

Gene: GNS (glucosamine (N-acetyl)-6-sulfatase; minus strand). Cytogenetic location: 12q14.3.
Variant type: single nucleotide variant.
Coding change: c.1120T>A on transcript NM_002076.4 (MANE Select); coding-DNA position 1120, T replaced by A.
Protein change: p.Leu374Met; replaces leucine 374 with methionine.
Molecular consequence: missense variant.
Genome position (GRCh38, 1-based): chr12:64,729,036, A>T on the plus strand (T>A on the coding strand, the complement: GNS is on the minus strand). VCF-style: chr12-64729036-A-T. GRCh37 (hg19) VCF-style: chr12-65122816-A-T.
Other names: c.1120T>A (NM_002076.3); short protein forms L374M.
Identifiers: ClinVar variation 2072892 (VCV002072892.2), dbSNP rs141908538, ClinGen allele CA6669751.
Genomic context (GRCh38, chr12:64,729,036, plus strand): 5'-TCCCATCCATCTGTGTCTTATTTAGGTCGTAGCCAGCAATGTCCAAAATAGTAGGACCCA[A>T]GTCAATGTTGGCAACCAGCATCTATGAGAATGAGGGAAAAACAATCTAGAACACAGCTGG-3'
Protein context (NP_002067.1, residues 364-384): TSKMLVANID[Leu374Met]GPTILDIAGY

ClinVar aggregate classification (germline): Uncertain significance. Review status: criteria provided, multiple submitters, no conflicts (2 of 4 stars). 2 submissions from 2 submitters: Uncertain significance (2). Last evaluated 2025-04-07.

Conditions:
Mucopolysaccharidosis, MPS-III-D (MPS3D). Also called: N-ACETYLGLUCOSAMINE-6-SULFATASE DEFICIENCY; SANFILIPPO SYNDROME D; MPS III D; Mucopoly-saccharidosis type 3D; N-acetylglucosamine-6-sulfate sulfatase deficiency; MPS 3D. Identifiers: Orphanet 581, Orphanet 79272, MedGen C0086650, MONDO:0009658, OMIM 252940.
Inborn genetic diseases. Identifiers: MedGen C0950123, MeSH D030342.

Allele frequency attached by ClinVar (database versions not stated): ExAC 0.00002; gnomAD 0.00009; ESP Exome Variant Server 0.00008; gnomAD exomes 0.00001; TOPMed 0.00015.
gnomAD v4.1: 33 of 1,584,390 alleles (0.0021%); highest among the groups gnomAD compares: African/African-American, 0.044%; no homozygotes.

Submissions (2):

Ambry Genetics
Classification: Uncertain significance for Inborn genetic diseases. Last evaluated: 2025-04-07. Review status: criteria provided, single submitter. Criteria: Ambry Variant Classification Scheme 2023. Collection method: clinical testing. Allele origin: germline.

Labcorp Genetics (formerly Invitae), Labcorp
Classification: Uncertain significance for Mucopolysaccharidosis, MPS-III-D. Last evaluated: 2022-10-17. Review status: criteria provided, single submitter. Criteria: Invitae Variant Classification Sherloc (09022015). Collection method: clinical testing. Allele origin: germline.
Comment: This sequence change replaces leucine, which is neutral and non-polar, with methionine, which is neutral and non-polar, at codon 374 of the GNS protein (p.Leu374Met). This variant is present in population databases (rs141908538, gnomAD 0.03%). This variant has not been reported in the literature in individuals affected with GNS-related conditions. Advanced modeling of protein sequence and biophysical properties (such as structural, functional, and spatial information, amino acid conservation, physicochemical variation, residue mobility, and thermodynamic stability) performed at Invitae indicates that this missense variant is not expected to disrupt GNS protein function. In summary, the available evidence is currently insufficient to determine the role of this variant in disease. Therefore, it has been classified as a Variant of Uncertain Significance.